The following is an entry in ClinVar:

NM_004004.6(GJB2):c.456C>A (p.Tyr152Ter)

Gene: GJB2 (gap junction protein beta 2; minus strand). Cytogenetic location: 13q12.11.
Variant type: single nucleotide variant.
Coding change: c.456C>A on transcript NM_004004.6 (MANE Select); coding-DNA position 456, C replaced by A.
Protein change: p.Tyr152Ter; replaces tyrosine 152 with a stop codon.
Molecular consequence: nonsense.
Genome position (GRCh38, 1-based): chr13:20,189,126, G>T on the plus strand (C>A on the coding strand, the complement: GJB2 is on the minus strand). VCF-style: chr13-20189126-G-T. GRCh37 (hg19) VCF-style: chr13-20763265-G-T.
Other names: short protein forms Y152*.
Identifiers: ClinVar variation 44753 (VCV000044753.24), dbSNP rs111033420, ClinGen allele CA261651.
Genomic context (GRCh38, chr13:20,189,126, plus strand): 5'-CCAGGCGTTGCACTTCACCAGCCGCTGCATGGAGAAGCCGTCGTACATGACATAGAAGAC[G>T]TACATGAAGGCGGCTTCGAAGATGACCCGGAAGAAGATGCTGCTTGTGTAGGTCCACCAC-3'

ClinVar aggregate classification (germline): Pathogenic/Likely pathogenic. Review status: criteria provided, multiple submitters, no conflicts (2 of 4 stars). 6 submissions from 6 submitters: Pathogenic (4); Likely pathogenic (1). 1 of the submissions does not count toward it. Last evaluated 2025-11-18.

Conditions:
Rare genetic deafness. Identifiers: Orphanet 96210, MedGen C5680250.
Autosomal recessive nonsyndromic hearing loss 1A (DFNB1A). Also called: GJB2-Related Autosomal Recessive Nonsyndromic Hearing Loss; GJB6-Related DFNB 1 Nonsyndromic Hearing Loss and Deafness; Deafness, autosomal recessive 1A; Connexin 26 deafness; Deafness nonsyndromic, Connexin 26 linked; Nonsyndromic Hearing Loss and Deafness, DFNB1. Identifiers: Orphanet 90636, MedGen C2673759, MONDO:0009076, OMIM 220290.

Submissions (6):

Labcorp Genetics (formerly Invitae), Labcorp
Classification: Pathogenic. Last evaluated: 2025-11-18. Review status: criteria provided, single submitter. Criteria: Invitae Variant Classification Sherloc (09022015). Collection method: clinical testing. Allele origin: germline.
Comment: This sequence change creates a premature translational stop signal (p.Tyr152*) in the GJB2 gene. While this is not anticipated to result in nonsense mediated decay, it is expected to disrupt the last 75 amino acid(s) of the GJB2 protein. This variant is present in population databases (rs111033420, gnomAD 0.003%). This premature translational stop signal has been observed in individual(s) with autosomal recessive deafness (PMID: 19366456). ClinVar contains an entry for this variant (Variation ID: 44753). Algorithms developed to predict the effect of sequence changes on RNA splicing suggest that this variant may create or strengthen a splice site. This variant disrupts a region of the GJB2 protein in which other variant(s) (p.Cys211Leufs*5) have been determined to be pathogenic (PMID: 9529365, 12910486, 20863150). This suggests that this is a clinically significant region of the protein, and that variants that disrupt it are likely to be disease-causing. For these reasons, this variant has been classified as Pathogenic.

GeneDx
Classification: Pathogenic. Last evaluated: 2025-08-06. Review status: criteria provided, single submitter. Criteria: GeneDx Variant Classification Process June 2021. Collection method: clinical testing. Allele origin: germline. Affected: yes.
Comment: Not observed at significant frequency in large population cohorts (gnomAD); Nonsense variant predicted to result in protein truncation, as the last 75 amino acids are lost, and other loss-of-function variants have been reported downstream in HGMD; This variant is associated with the following publications: (PMID: 12865758, 18580690, 19366456, 26444186, 19081147, 36048236, 17666888, 34515852)

Natera, Inc.
Classification: Pathogenic for Autosomal recessive deafness type 1A. Last evaluated: 2024-05-06. Review status: criteria provided, single submitter. Criteria: Natera Variant Classification Schema (03/2026). Collection method: clinical testing. Allele origin: germline.
Comment: The c.456C>A variant in GJB2 is a nonsense variant predicted to introduce a stop codon at amino acid 152. This variant is expected to result in nonsense mediated decay, truncation, or a dysfunctional protein product. This variant is rare in the general population with a frequency below the threshold expected for the associated phenotype(s). This variant has been observed in one or more individuals affected with the associated recessive disease, as either homozygous or compound heterozygous with a second variant (PMID: 17666888). Given the available evidence, this variant is classified as Pathogenic.

Women's Health and Genetics/Laboratory Corporation of America, LabCorp
Classification: Pathogenic for Autosomal recessive nonsyndromic hearing loss 1A. Last evaluated: 2023-12-12. Review status: criteria provided, single submitter. Criteria: LabCorp Variant Classification Summary - May 2015. Collection method: clinical testing. Allele origin: germline.
Comment: Variant summary: GJB2 c.456C>A (p.Tyr152X) results in a premature termination codon, predicted to cause a truncation of the encoded protein, which is a commonly known mechanism for disease. Truncations downstream of this position have been classified as pathogenic by our laboratory. The variant allele was found at a frequency of 4e-06 in 251060 control chromosomes (gnomAD). c.456C>A has been reported in the literature, either as a single heterozygous occurrence or in compound heterozygosity with other variants, in multiple individuals affected with hearing loss (e.g. Dai_2009, Pandya_2003, Putcha_2007, Schimmenti_2008, Tayoun_2016). These data indicate that the variant is very likely to be associated with disease. To our knowledge, no experimental evidence demonstrating an impact on protein function has been reported. The following publications have been ascertained in the context of this evaluation (PMID: 12865758, 19366456, 17666888, 18580690, 26444186). Four submitters have cited clinical-significance assessments for this variant to ClinVar after 2014; all submitters classified the variant as pathogenic/likely pathogenic. Based on the evidence outlined above, the variant was classified as pathogenic.

Laboratory for Molecular Medicine, Mass General Brigham Personalized Medicine
Classification: Likely pathogenic for Rare genetic deafness. Last evaluated: 2009-05-18. Review status: criteria provided, single submitter. Criteria: LMM Criteria. Collection method: clinical testing. Allele origin: germline. Observed: 1 variant allele.

Counsyl
Classification: Likely pathogenic for Autosomal recessive nonsyndromic hearing loss 1A. Last evaluated: 2017-06-05. Review status: no assertion criteria provided. Collection method: clinical testing. Allele origin: unknown. Not counted in ClinVar's aggregate classification.

Literature cited by the submitters: PubMed 19366456 (cited by 4 submitters); PubMed 9529365 (cited by Labcorp Genetics (formerly Invitae), Labcorp); PubMed 12910486 (cited by Labcorp Genetics (formerly Invitae), Labcorp); PubMed 20863150 (cited by Labcorp Genetics (formerly Invitae), Labcorp); PubMed 17666888 (cited by 3 submitters); PubMed 12865758 (cited by 3 submitters); PubMed 18580690 (cited by Women's Health and Genetics/Laboratory Corporation of America, LabCorp and Counsyl); PubMed 26444186 (cited by Women's Health and Genetics/Laboratory Corporation of America, LabCorp).